The following is an entry in ClinVar:

ClinVar aggregate classification (germline): Likely benign (1 of 4 stars; one submission).

Allele frequency attached by ClinVar (database versions not stated): TOPMed 0.00703; gnomAD 0.00726 and 0.00824; 1000 Genomes Project 30x 0.00937; 1000 Genomes Project 0.00938.
gnomAD v4.1: 1,260 of 152,222 alleles (0.83%); highest among the groups gnomAD compares: South Asian, 3.8%; 11 homozygotes.

Submission:

GeneDx
Classification: Likely benign. Last evaluated: 2018-06-16. Review status: criteria provided, single submitter. Criteria: GeneDx Variant Classification (06012015). Collection method: clinical testing. Allele origin: germline. Affected: yes.
Comment: This variant is considered likely benign or benign based on one or more of the following criteria: it is a conservative change, it occurs at a poorly conserved position in the protein, it is predicted to be benign by multiple in silico algorithms, and/or has population frequency not consistent with disease.

NM_007078.3(LDB3):c.689+323T>C

Gene: LDB3 (LIM domain binding 3; plus strand). Cytogenetic location: 10q23.2.
Variant type: single nucleotide variant.
Coding change: c.689+323T>C on transcript NM_007078.3 (MANE Select); 323 bases into the intron after coding-DNA position 689, T replaced by C.
Molecular consequence: intron variant.
Genome position (GRCh38, 1-based): chr10:86,682,126, T>C. VCF-style: chr10-86682126-T-C. GRCh37 (hg19) VCF-style: chr10-88441883-T-C.
Other names: c.689+323T>C (NM_001368064.1, NM_001368063.1, NM_001171610.2 and 3 more transcripts); c.321+1969T>C (NM_001368068.1, NM_001368066.1, NM_001080114.2 and 2 more transcripts).
Identifiers: ClinVar variation 670025 (VCV000670025.1), dbSNP rs145371401, ClinGen allele CA211212904.